The following is an entry in ClinVar:

ClinVar aggregate classification (germline): Likely benign. Review status: criteria provided, multiple submitters, no conflicts (2 of 4 stars). 2 submissions from 2 submitters: Likely benign (2). Last evaluated 2022-08-31.

Conditions:
Ehlers-Danlos syndrome, classic type, 1 (EDSCL1). Also called: EHLERS-DANLOS SYNDROME, GRAVIS TYPE; EHLERS-DANLOS SYNDROME, SEVERE CLASSIC TYPE; Ehlers-Danlos Syndrome, Classic Type, COL5A1-Related; EDS I; Ehlers-Danlos syndrome, type 1. Identifiers: MedGen C0268335, MONDO:0019567, OMIM 130000.

Allele frequency attached by ClinVar (database versions not stated): gnomAD exomes 0.00001 and below 0.00001; gnomAD 0.00001; ExAC 0.00002; TOPMed 0.00002.
gnomAD v4.1: 2 of 1,611,632 alleles (0.00012%); highest among the groups gnomAD compares: African/African-American, 0.0027%; no homozygotes.

Submissions (2):

Labcorp Genetics (formerly Invitae), Labcorp
Classification: Likely benign for Ehlers-Danlos syndrome, classic type, 1. Last evaluated: 2022-08-31. Review status: criteria provided, single submitter. Criteria: Invitae Variant Classification Sherloc (09022015). Collection method: clinical testing. Allele origin: germline.

GeneDx
Classification: Likely benign. Last evaluated: 2015-12-07. Review status: criteria provided, single submitter. Criteria: GeneDx Variant Classification (06012015). Collection method: clinical testing. Allele origin: germline. Affected: yes.
Comment: This variant is considered likely benign or benign based on one or more of the following criteria: it is a conservative change, it occurs at a poorly conserved position in the protein, it is predicted to be benign by multiple in silico algorithms, and/or has population frequency not consistent with disease.

NM_000093.5(COL5A1):c.277+20G>C

Gene: COL5A1 (collagen type V alpha 1 chain; plus strand). Cytogenetic location: 9q34.3.
Variant type: single nucleotide variant.
Coding change: c.277+20G>C on transcript NM_000093.5 (MANE Select); 20 bases into the intron after coding-DNA position 277, G replaced by C.
Molecular consequence: intron variant.
Genome position (GRCh38, 1-based): chr9:134,691,099, G>C. VCF-style: chr9-134691099-G-C. GRCh37 (hg19) VCF-style: chr9-137582945-G-C.
Other names: c.277+20G>C (NM_001278074.1).
Identifiers: ClinVar variation 382029 (VCV000382029.6), dbSNP rs772363522, ClinGen allele CA5318255.
Genomic context (GRCh38, chr9:134,691,099, plus strand): 5'-AGACGCGCAGCTCAGCGCACCCACCAAGCAGCTGTACCCTGGTAAGTGCCGCACCCTTCT[G>C]TTTGGGGCGGTGGGTCCCGTTGGCCCTCTGGCCTCCAGCCAGGAGCAGCGCTCAAGCCTG-3'